The following is an entry in ClinVar:

ClinVar aggregate classification (germline): Uncertain significance (1 of 4 stars; one submission).

Conditions:
Paroxysmal nonkinesigenic dyskinesia. Also called: Paroxysmal non-kinesigenic dyskinesia. Identifiers: Orphanet 98810, MedGen C1869117, MONDO:0700088.

gnomAD v4.1: 1 of 1,591,280 alleles (0.000063%); highest among the groups gnomAD compares: Non-Finnish European, 0.000086%; no homozygotes.

Submission:

Labcorp Genetics (formerly Invitae), Labcorp
Classification: Uncertain significance for Paroxysmal nonkinesigenic dyskinesia. Last evaluated: 2024-02-06. Review status: criteria provided, single submitter. Criteria: Invitae Variant Classification Sherloc (09022015). Collection method: clinical testing. Allele origin: germline.
Comment: This sequence change creates a premature translational stop signal (p.Trp317*) in the PNKD gene. While this is not anticipated to result in nonsense mediated decay, it is expected to disrupt the last 69 amino acid(s) of the PNKD protein. This variant is not present in population databases (gnomAD no frequency). This variant has not been reported in the literature in individuals affected with PNKD-related conditions. Experimental studies and prediction algorithms are not available or were not evaluated, and the functional significance of this variant is currently unknown. In summary, the available evidence is currently insufficient to determine the role of this variant in disease. Therefore, it has been classified as a Variant of Uncertain Significance.

NM_015488.5(PNKD):c.950G>A (p.Trp317Ter)

Genes: CATIP-AS2 (CATIP antisense RNA 2; minus strand), PNKD (PNKD metallo-beta-lactamase domain containing; plus strand). Cytogenetic location: 2q35.
Variant type: single nucleotide variant.
Coding change: c.950G>A on transcript NM_015488.5 (MANE Select); coding-DNA position 950, G replaced by A.
Protein change: p.Trp317Ter; replaces tryptophan 317 with a stop codon.
Molecular consequence: nonsense.
Genome position (GRCh38, 1-based): chr2:218,344,536, G>A. VCF-style: chr2-218344536-G-A. GRCh37 (hg19) VCF-style: chr2-219209259-G-A.
Other names: c.878G>A, p.Trp293Ter (NM_022572.5); short protein forms W293*, W317*.
Identifiers: ClinVar variation 3639265 (VCV003639265.2).